The following is an entry in ClinVar:

ClinVar aggregate classification (germline): Uncertain significance. Review status: criteria provided, multiple submitters, no conflicts (2 of 4 stars). 2 submissions from 2 submitters: Uncertain significance (2). Last evaluated 2024-11-11.

Conditions:
Hereditary nonpolyposis colorectal neoplasms. Identifiers: MedGen C0009405, MeSH D003123.
Hereditary cancer-predisposing syndrome. Also called: Neoplastic Syndromes, Hereditary; Tumor predisposition; Hereditary neoplastic syndrome; Hereditary Cancer Syndrome. Identifiers: Orphanet 140162, MedGen C0027672, MeSH D009386, MONDO:0015356.

Submissions (2):

Labcorp Genetics (formerly Invitae), Labcorp
Classification: Uncertain significance for Hereditary nonpolyposis colorectal neoplasms. Last evaluated: 2024-11-11. Review status: criteria provided, single submitter. Criteria: Invitae Variant Classification Sherloc (09022015). Collection method: clinical testing. Allele origin: germline.
Comment: This sequence change replaces aspartic acid, which is acidic and polar, with histidine, which is basic and polar, at codon 253 of the MSH6 protein (p.Asp253His). This variant is not present in population databases (gnomAD no frequency). This variant has not been reported in the literature in individuals affected with MSH6-related conditions. ClinVar contains an entry for this variant (Variation ID: 1352094). Invitae Evidence Modeling of protein sequence and biophysical properties (such as structural, functional, and spatial information, amino acid conservation, physicochemical variation, residue mobility, and thermodynamic stability) indicates that this missense variant is not expected to disrupt MSH6 protein function with a negative predictive value of 95%. In summary, the available evidence is currently insufficient to determine the role of this variant in disease. Therefore, it has been classified as a Variant of Uncertain Significance.

Ambry Genetics
Classification: Uncertain significance for Hereditary cancer-predisposing syndrome. Last evaluated: 2024-05-24. Review status: criteria provided, single submitter. Criteria: Ambry Variant Classification Scheme 2023. Collection method: clinical testing. Allele origin: germline.
Comment: The p.D253H variant (also known as c.757G>C), located in coding exon 4 of the MSH6 gene, results from a G to C substitution at nucleotide position 757. The aspartic acid at codon 253 is replaced by histidine, an amino acid with similar properties. This amino acid position is conserved. In addition, the in silico prediction for this alteration is inconclusive. Since supporting evidence is limited at this time, the clinical significance of this alteration remains unclear.

NM_000179.3(MSH6):c.757G>C (p.Asp253His)

Gene: MSH6 (mutS homolog 6; plus strand). Cytogenetic location: 2p16.3.
Variant type: single nucleotide variant.
Coding change: c.757G>C on transcript NM_000179.3 (MANE Select); coding-DNA position 757, G replaced by C.
Protein change: p.Asp253His; replaces aspartic acid 253 with histidine.
Molecular consequence: missense variant. On other transcripts: 5 prime UTR variant (2).
Genome position (GRCh38, 1-based): chr2:47,798,740, G>C. VCF-style: chr2-47798740-G-C. GRCh37 (hg19) VCF-style: chr2-48025879-G-C.
Other names: c.367G>C, p.Asp123His (NM_001281492.2); c.-150G>C (NM_001281493.2, NM_001281494.2); short protein forms D123H, D253H.
Identifiers: ClinVar variation 1352094 (VCV001352094.11), dbSNP rs2104295794, ClinGen allele CA346740143.